The following is an entry in ClinVar:

ClinVar aggregate classification (germline): Uncertain significance (1 of 4 stars; one submission).

Conditions:
Hereditary pancreatitis (PCTT). Also called: Hereditary chronic pancreatitis; PRSS1-Related Hereditary Pancreatitis. Identifiers: Orphanet 676, MedGen C0238339, MONDO:0008185, OMIM 167800.

Submission:

Ambry Genetics
Classification: Uncertain significance for Hereditary pancreatitis. Last evaluated: 2024-09-30. Review status: criteria provided, single submitter. Criteria: Ambry Variant Classification Scheme 2023. Collection method: clinical testing. Allele origin: germline.
Comment: The p.D53H variant (also known as c.157G>C), located in coding exon 3 of the CTRC gene, results from a G to C substitution at nucleotide position 157. The aspartic acid at codon 53 is replaced by histidine, an amino acid with similar properties. This amino acid position is conserved. In addition, the in silico prediction for this alteration is inconclusive. Since supporting evidence is limited at this time, the clinical significance of this alteration remains unclear.

NM_007272.3(CTRC):c.157G>C (p.Asp53His)

Gene: CTRC (chymotrypsin C; plus strand). Cytogenetic location: 1p36.21.
Variant type: single nucleotide variant.
Coding change: c.157G>C on transcript NM_007272.3 (MANE Select); coding-DNA position 157, G replaced by C.
Protein change: p.Asp53His; replaces aspartic acid 53 with histidine.
Molecular consequence: missense variant.
Genome position (GRCh38, 1-based): chr1:15,440,517, G>C. VCF-style: chr1-15440517-G-C. GRCh37 (hg19) VCF-style: chr1-15767013-G-C.
Other names: short protein forms D53H.
Identifiers: ClinVar variation 1775664 (VCV001775664.3), dbSNP rs761118020, ClinGen allele CA338564992.